The following is an entry in ClinVar:

NM_152419.3(HGSNAT):c.614C>A (p.Thr205Asn)

Gene: HGSNAT (heparan-alpha-glucosaminide N-acetyltransferase; plus strand). Cytogenetic location: 8p11.21.
Variant type: single nucleotide variant.
Coding change: c.614C>A on transcript NM_152419.3 (MANE Select); coding-DNA position 614, C replaced by A.
Protein change: p.Thr205Asn; replaces threonine 205 with asparagine.
Molecular consequence: missense variant. On other transcripts: 5 prime UTR variant (1).
Genome position (GRCh38, 1-based): chr8:43,169,223, C>A. VCF-style: chr8-43169223-C-A. GRCh37 (hg19) VCF-style: chr8-43024366-C-A.
Other names: c.614C>A, p.Thr205Asn (NM_001363227.2, NM_001363228.2); c.-220C>A (NM_001363229.2); short protein forms T205N.
Identifiers: ClinVar variation 1515883 (VCV001515883.6), dbSNP rs1454265686, ClinGen allele CA371116006.

ClinVar aggregate classification (germline): Uncertain significance (1 of 4 stars; one submission).

Conditions:
Mucopolysaccharidosis, MPS-III-C (MPS3C). Also called: SANFILIPPO SYNDROME C; MPS III C; MPS IIIC (Sanfilippo Syndrome Type C); MUCOPOLYSACCHARIDOSIS, TYPE IIIC; Mucopolysaccharidosis type IIIC (Sanfilippo C); mucopolysaccharidosis type 3C. Identifiers: Orphanet 581, Orphanet 79271, MedGen C0086649, MONDO:0009657, OMIM 252930.
Retinitis pigmentosa 73 (RP73). Identifiers: Orphanet 791, MedGen C4225287, MONDO:0014687, OMIM 616544.

gnomAD v4.1: 1 of 1,584,756 alleles (0.000063%); highest among the groups gnomAD compares: South Asian, 0.0012%; no homozygotes.

Submission:

Labcorp Genetics (formerly Invitae), Labcorp
Classification: Uncertain significance for Retinitis pigmentosa 73; Mucopolysaccharidosis, MPS-III-C. Last evaluated: 2023-05-10. Review status: criteria provided, single submitter. Criteria: Invitae Variant Classification Sherloc (09022015). Collection method: clinical testing. Allele origin: germline.
Comment: This variant has not been reported in the literature in individuals affected with HGSNAT-related conditions. This sequence change replaces threonine, which is neutral and polar, with asparagine, which is neutral and polar, at codon 205 of the HGSNAT protein (p.Thr205Asn). This variant is not present in population databases (gnomAD no frequency). ClinVar contains an entry for this variant (Variation ID: 1515883). Advanced modeling of protein sequence and biophysical properties (such as structural, functional, and spatial information, amino acid conservation, physicochemical variation, residue mobility, and thermodynamic stability) has been performed at Invitae for this missense variant, however the output from this modeling did not meet the statistical confidence thresholds required to predict the impact of this variant on HGSNAT protein function. In summary, the available evidence is currently insufficient to determine the role of this variant in disease. Therefore, it has been classified as a Variant of Uncertain Significance.